The following is an entry in ClinVar:

ClinVar aggregate classification (germline): Benign/Likely benign. Review status: criteria provided, multiple submitters, no conflicts (2 of 4 stars). 7 submissions from 7 submitters: Benign (1); Likely benign (5). 1 of the submissions does not count toward it. Last evaluated 2026-02-01.

Conditions:
MYH8-related disorder. Also called: MYH8-related condition.
Hecht syndrome (DA7). Also called: Dutch-Kentucky syndrome; MOUTH, INABILITY TO OPEN COMPLETELY, AND SHORT FINGER-FLEXOR TENDONS. Identifiers: Orphanet 3377, MedGen C0265226, MONDO:0008016, OMIM 158300. Disease mechanism: gain of function.

Allele frequency attached by ClinVar (database versions not stated): TOPMed 0.00297; 1000 Genomes Project 30x 0.00328; 1000 Genomes Project 0.00339; ESP Exome Variant Server 0.00377; ExAC 0.00072; gnomAD 0.00269 and 0.00285.
gnomAD v4.1: 773 of 1,614,138 alleles (0.048%); highest among the groups gnomAD compares: African/African-American, 0.89%; 1 homozygote.

Submissions (7):

CeGaT Center for Human Genetics Tuebingen
Classification: Likely benign. Last evaluated: 2026-02-01. Review status: criteria provided, single submitter. Criteria: CeGaT Center For Human Genetics Tuebingen Variant Classification Criteria Version 2. Collection method: clinical testing. Allele origin: germline. Affected: yes. Observed: 2 variant alleles.
Comment: MYH8: BS2

Blueprint Genetics
Classification: Likely benign. Last evaluated: 2024-11-26. Review status: criteria provided, single submitter. Criteria: ACMG Guidelines, 2015. Collection method: clinical testing. Allele origin: germline.

GeneDx
Classification: Likely benign. Last evaluated: 2021-02-03. Review status: criteria provided, single submitter. Criteria: GeneDx Variant Classification Process June 2021. Collection method: clinical testing. Allele origin: germline. Affected: yes.

Labcorp Genetics (formerly Invitae), Labcorp
Classification: Benign. Last evaluated: 2019-12-31. Review status: criteria provided, single submitter. Criteria: Invitae Variant Classification Sherloc (09022015). Collection method: clinical testing. Allele origin: germline.

Illumina Laboratory Services, Illumina
Classification: Likely benign for Hecht syndrome. Last evaluated: 2018-01-13. Review status: criteria provided, single submitter. Criteria: ICSL Variant Classification Criteria 13 December 2019. Collection method: clinical testing. Allele origin: germline.
Comment: This variant was observed in the ICSL laboratory as part of a predisposition screen in an ostensibly healthy population. It had not been previously curated by ICSL or reported in the Human Gene Mutation Database (HGMD: prior to June 1st, 2018), and was therefore a candidate for classification through an automated scoring system. Utilizing variant allele frequency, disease prevalence and penetrance estimates, and inheritance mode, an automated score was calculated to assess if this variant is too frequent to cause the disease. Based on the score and internal cut-off values, a variant classified as likely benign is not then subjected to further curation. The score for this variant resulted in a classification of likely benign for this disease.

Breakthrough Genomics
Classification: Likely benign. Review status: criteria provided, single submitter. Criteria: ACMG Guidelines, 2015. Collection method: not provided. Allele origin: germline. Inheritance: Autosomal dominant inheritance. Affected: yes.

PreventionGenetics, part of Exact Sciences
Classification: Likely benign for MYH8-related condition. Last evaluated: 2019-06-18. Review status: no assertion criteria provided. Collection method: clinical testing. Allele origin: germline. Not counted in ClinVar's aggregate classification.
Comment: This variant is classified as likely benign based on ACMG/AMP sequence variant interpretation guidelines (Richards et al. 2015 PMID: 25741868, with internal and published modifications).

NM_002472.3(MYH8):c.5464G>A (p.Val1822Ile)

Genes: MYHAS (myosin heavy chain gene cluster antisense RNA; plus strand), MYH8 (myosin heavy chain 8; minus strand), LOC126862493 (BRD4-independent group 4 enhancer GRCh37_chr17:10295275-10296474; plus strand). Cytogenetic location: 17p13.1.
Variant type: single nucleotide variant.
Coding change: c.5464G>A on transcript NM_002472.3 (MANE Select); coding-DNA position 5464, G replaced by A.
Protein change: p.Val1822Ile; replaces valine 1822 with isoleucine.
Molecular consequence: missense variant.
Genome position (GRCh38, 1-based): chr17:10,392,646, C>T on the plus strand (G>A on the coding strand, the complement: MYH8 is on the minus strand). VCF-style: chr17-10392646-C-T. GRCh37 (hg19) VCF-style: chr17-10295963-C-T.
Other names: short protein forms V1822I.
Identifiers: ClinVar variation 258722 (VCV000258722.20), dbSNP rs143876651, ClinGen allele CA8387021.